The following is an entry in ClinVar:

ClinVar aggregate classification (germline): Uncertain significance (1 of 4 stars; one submission).

Conditions:
SLC39A8-CDG. Also called: CONGENITAL DISORDER OF GLYCOSYLATION, TYPE IIn; CDG IIn; SLC39A8 deficiency. Identifiers: Orphanet 468699, MedGen C4225234, MONDO:0014746, OMIM 616721.

Submission:

Undiagnosed Diseases Network, NIH
Classification: Uncertain significance for SLC39A8-CDG. Last evaluated: 2026-05-14. Review status: criteria provided, single submitter. Criteria: ACMG Guidelines, 2015. Collection method: clinical testing. Allele origin: maternal. Affected: yes. Observed: 2 variant alleles, 2 compound heterozygotes. Clinical features observed: Abnormal cerebral white matter morphology (HP:0002500), Global developmental delay (HP:0001263), Generalized hypotonia (HP:0001290), Nystagmus (HP:0000639), Eczematoid dermatitis (HP:0000964). Study: Undiagnosed Diseases Network (NIH), UDN.
Comment: This is a rare intronic deletion affecting the highly conserved +1 nucleotide of the canonical splice donor site in intron 6. The variant is absent from gnomAD v4.1.0 and has not been reported in ClinVar to date. In silico prediction supports a potential effect on splicing, with a SpliceAI delta score of 0.82, and the affected nucleotide is evolutionarily conserved (PhyloP100 = 7.71). Consistent with this prediction, in-house RNA-seq data shows concordant FRASER psi3 and psi5 outlier signals involving SLC39A8 exon 7, suggesting aberrant splice-site usage in the proband. The psi3 event shows increased usage of an aberrant donor-associated junction (ΔPSI = +0.37; z-score = +9.29), while the psi5 event shows increased usage of an aberrant acceptor-associated junction (ΔPSI = +0.44; z-score = +7.02), both of which are minimally represented in controls.

NM_001135146.2(SLC39A8):c.1048+1del

Genes: SLC39A8 (solute carrier family 39 member 8; minus strand), LOC126807125 (MED14-independent group 3 enhancer GRCh37_chr4:103188587-103189786; plus strand). Cytogenetic location: 4q24.
Variant type: Deletion.
Coding change: c.1048+1del on transcript NM_001135146.2 (MANE Select); the canonical splice donor site of the intron after coding-DNA position 1048, one base deleted (G; older notation c.1048+1delG).
Molecular consequence: splice donor variant.
Genome position (GRCh38, 1-based): chr4:102,267,871, C deleted on the plus strand (G on the coding strand, the reverse complement: SLC39A8 is on the minus strand); the first of 2 consecutive C bases (chr4:102,267,871-102,267,872); deleting either gives the same sequence. VCF-style (leftmost placement, unchanged base first): chr4-102267870-AC-A. GRCh37 (hg19) VCF-style: chr4-103189027-AC-A.
Other names: c.1048+1del (NM_001135147.1, NM_022154.5); c.847+1del (NM_001135148.2).
Identifiers: ClinVar variation 4857193 (VCV004857193.1).